The following is an entry in ClinVar:

ClinVar aggregate classification (germline): Uncertain significance. Review status: criteria provided, multiple submitters, no conflicts (2 of 4 stars). 2 submissions from 2 submitters: Uncertain significance (2). Last evaluated 2024-12-17.

Conditions:
Hereditary cancer-predisposing syndrome. Also called: Tumor predisposition; Hereditary neoplastic syndrome; Neoplastic Syndromes, Hereditary; Hereditary Cancer Syndrome. Identifiers: Orphanet 140162, MedGen C0027672, MeSH D009386, MONDO:0015356.

Allele frequency attached by ClinVar (database versions not stated): gnomAD exomes below 0.00001.
gnomAD v4.1: 1 of 1,613,920 alleles (0.000062%); highest among the groups gnomAD compares: Non-Finnish European, 0.000085%; no homozygotes.

Submissions (2):

Labcorp Genetics (formerly Invitae), Labcorp
Classification: Uncertain significance. Last evaluated: 2024-12-17. Review status: criteria provided, single submitter. Criteria: Invitae Variant Classification Sherloc (09022015). Collection method: clinical testing. Allele origin: germline.
Comment: This sequence change replaces leucine, which is neutral and non-polar, with valine, which is neutral and non-polar, at codon 249 of the NTHL1 protein (p.Leu249Val). This variant is not present in population databases (gnomAD no frequency). This variant has not been reported in the literature in individuals affected with NTHL1-related conditions. ClinVar contains an entry for this variant (Variation ID: 2199210). An algorithm developed to predict the effect of missense changes on protein structure and function (PolyPhen-2) suggests that this variant is likely to be disruptive. In summary, the available evidence is currently insufficient to determine the role of this variant in disease. Therefore, it has been classified as a Variant of Uncertain Significance.

Ambry Genetics
Classification: Uncertain significance for Hereditary cancer-predisposing syndrome. Last evaluated: 2023-06-24. Review status: criteria provided, single submitter. Criteria: Ambry Variant Classification Scheme 2023. Collection method: clinical testing. Allele origin: germline.
Comment: The p.L249V variant (also known as c.745C>G), located in coding exon 5 of the NTHL1 gene, results from a C to G substitution at nucleotide position 745. The leucine at codon 249 is replaced by valine, an amino acid with highly similar properties. This amino acid position is conserved. In addition, the in silico prediction for this alteration is inconclusive. Since supporting evidence is limited at this time, the clinical significance of this alteration remains unclear.

NM_002528.7(NTHL1):c.721C>G (p.Leu241Val)

Gene: NTHL1 (nth like DNA glycosylase 1; minus strand). Cytogenetic location: 16p13.3.
Variant type: single nucleotide variant.
Coding change: c.721C>G on transcript NM_002528.7 (MANE Select); coding-DNA position 721, C replaced by G.
Protein change: p.Leu241Val; replaces leucine 241 with valine.
Molecular consequence: missense variant.
Genome position (GRCh38, 1-based): chr16:2,040,203, G>C on the plus strand (C>G on the coding strand, the complement: NTHL1 is on the minus strand). VCF-style: chr16-2040203-G-C. GRCh37 (hg19) VCF-style: chr16-2090204-G-C.
Other names: c.745C>G (NM_002528.5); c.550C>G, p.Leu184Val (NM_001318193.2); c.391C>G, p.Leu131Val (NM_001318194.2); short protein forms L131V, L241V, L184V.
Identifiers: ClinVar variation 2199210 (VCV002199210.6), dbSNP rs2084243437, ClinGen allele CA394289174.
Genomic context (GRCh38, chr16:2,040,203, plus strand): 5'-ACTCCTCCAGGGCGGCGCGGGTCTCCTCTGGGGACTTGGTTGCCTTCTTGGTCCACCTCA[G>C]CCTGTTGGCGATTCTGTGCACATGCGTGTCCACTGCTGCTGGGAGGCCAAGCGGGGTGAA-3'
Protein context (NP_002519.2, residues 231-251): DTHVHRIANR[Leu241Val]RWTKKATKSP